The following is an entry in ClinVar:

NM_005475.3(SH2B3):c.1696C>G (p.Arg566Gly)

Gene: SH2B3 (SH2B adaptor protein 3; plus strand). Cytogenetic location: 12q24.12.
Variant type: single nucleotide variant.
Coding change: c.1696C>G on transcript NM_005475.3 (MANE Select); coding-DNA position 1696, C replaced by G.
Protein change: p.Arg566Gly; replaces arginine 566 with glycine.
Molecular consequence: missense variant.
Genome position (GRCh38, 1-based): chr12:111,448,270, C>G. VCF-style: chr12-111448270-C-G. GRCh37 (hg19) VCF-style: chr12-111886074-C-G.
Other names: c.1090C>G, p.Arg364Gly (NM_001291424.1); short protein forms R364G, R566G.
Identifiers: ClinVar variation 3440778 (VCV003440778.1).

ClinVar aggregate classification (germline): Uncertain significance (1 of 4 stars; one submission).

Conditions:
Inborn genetic diseases. Identifiers: MedGen C0950123, MeSH D030342.

Submission:

Ambry Genetics
Classification: Uncertain significance for Inborn genetic diseases. Last evaluated: 2024-11-24. Review status: criteria provided, single submitter. Criteria: Ambry Variant Classification Scheme 2023. Collection method: clinical testing. Allele origin: germline.
Comment: The p.R566G variant (also known as c.1696C>G), located in coding exon 7 of the SH2B3 gene, results from a C to G substitution at nucleotide position 1696. The arginine at codon 566 is replaced by glycine, an amino acid with dissimilar properties. This amino acid position is conserved. In addition, this alteration is predicted to be deleterious by in silico analysis. Based on the available evidence, the clinical significance of this variant remains unclear.